The following is an entry in ClinVar:

NM_000257.4(MYH7):c.4916C>T (p.Ala1639Val)

Genes: MHRT (myosin heavy chain associated RNA transcript; plus strand), MYH7 (myosin heavy chain 7; minus strand), LOC126861897 (BRD4-independent group 4 enhancer GRCh37_chr14:23884455-23885654; plus strand). Cytogenetic location: 14q11.2.
Variant type: single nucleotide variant.
Coding change: c.4916C>T on transcript NM_000257.4 (MANE Select); coding-DNA position 4916, C replaced by T.
Protein change: p.Ala1639Val; replaces alanine 1639 with valine.
Molecular consequence: missense variant. On other transcripts: non-coding transcript variant (1).
Genome position (GRCh38, 1-based): chr14:23,416,041, G>A on the plus strand (C>T on the coding strand, the complement: MYH7 is on the minus strand). VCF-style: chr14-23416041-G-A. GRCh37 (hg19) VCF-style: chr14-23885250-G-A.
Other names: c.4916C>T (LRG_384t1); short protein forms A1639V.
Identifiers: ClinVar variation 432229 (VCV000432229.27), dbSNP rs1195157116, ClinGen allele CA389037360.
Genomic context (GRCh38, chr14:23,416,041, plus strand): 5'-GCCAGTCCCCTCTGGGTGAGTACCTTCAACAAGCTCTGGAGGCTCTTGACTTGCTTCTGG[G>A]CCTCGGCGGCCATGCGGTTGGCGTGGCTGAGCTGGATCTCCATCTCATTGAGGTCTCCTT-3'
Protein context (NP_000248.2, residues 1629-1649): LSHANRMAAE[Ala1639Val]QKQVKSLQSL

ClinVar aggregate classification (germline): Uncertain significance. Review status: criteria provided, multiple submitters, no conflicts (2 of 4 stars). 8 submissions from 8 submitters: Uncertain significance (8). Last evaluated 2026-08-27.

Conditions:
Cardiovascular phenotype. Identifiers: MedGen CN230736.
Myopathy, myosin storage, autosomal recessive (CMYO7B). Also called: CONGENITAL MYOPATHY 7B, MYOSIN STORAGE, AUTOSOMAL RECESSIVE. Identifiers: Orphanet 636970, MedGen C1850709, MONDO:0009708, OMIM 255160.
MYH7-related skeletal myopathy. Also called: MYOPATHY, DISTAL, EARLY-ONSET, AUTOSOMAL DOMINANT; MYOPATHY, LATE DISTAL HEREDITARY; Myopathy, distal, 1; Laing early-onset distal myopathy; Laing distal myopathy. Identifiers: Orphanet 59135, MedGen C4552004, MONDO:0008050, OMIM 160500.
Myosin storage myopathy (CMYO7A). Also called: Scapuloperoneal myopathy, MYH7-related; SCAPULOPERONEAL MUSCULAR DYSTROPHY; SCAPULOPERONEAL SYNDROME, MYOPATHIC TYPE; MYOPATHY, HYALINE BODY, AUTOSOMAL DOMINANT; MYH7-related late-onset scapuloperoneal muscular dystrophy; Congenital myopathy 7A, myosin storage, autosomal dominant. Identifiers: Orphanet 437572, Orphanet 636965, MedGen C1842160, MONDO:0008409, OMIM 608358.
Hypertrophic cardiomyopathy 1 (CMH1). Also called: MYH7-Related Familial Hypertrophic Cardiomyopathy; Familial hypertrophic cardiomyopathy 1. Identifiers: MedGen C3495498, MONDO:0008647, OMIM 192600.
Dilated cardiomyopathy 1S (CMD1S). Identifiers: Orphanet 154, Orphanet 54260, MedGen C1834481, MONDO:0013262, OMIM 613426.
Congenital myopathy with fiber type disproportion. Also called: Congenital fiber-type disproportion; Congenital fiber-type disproportion myopathy. Identifiers: Orphanet 2020, MedGen C0546264, MONDO:0009711. Inheritance: all.
MYH7-related disorder. Also called: MYH7-related condition; MYH7-related disease; MYH7-related disorders.
Cardiomyopathy (CMYO). Also called: Cardiomyopathies. Identifiers: Orphanet 167848, MedGen C0878544, MONDO:0004994, HP:0001638. Inheritance: Various modes of inheritance.
Hypertrophic cardiomyopathy. Also called: HYPERTROPHIC MYOCARDIOPATHY. Identifiers: Orphanet 217569, MedGen C0007194, MeSH D002312, MONDO:0005045, HP:0001639.

Allele frequency attached by ClinVar (database versions not stated): gnomAD exomes below 0.00001; gnomAD 0.00002; TOPMed 0.00012.
gnomAD v4.1: 7 of 1,614,068 alleles (0.00043%); highest among the groups gnomAD compares: Admixed American, 0.01%; no homozygotes.

Submissions (8):

PreventionGenetics, part of Exact Sciences
Classification: Uncertain significance for MYH7-related condition. Last evaluated: 2026-08-27. Review status: criteria provided, single submitter. Criteria: ACMG Guidelines, 2015. Collection method: clinical testing. Allele origin: germline.
Comment: The MYH7 c.4916C>T variant is predicted to result in the amino acid substitution p.Ala1639Val. This variant has been reported in two apparently unaffected individuals from a cohort study of patients who had undergone exome sequencing (Table S6, Park et al. 2022. PubMed ID: 34542152). This variant has been reported in one heterozygous individual within the ‘other’ subpopulation in gnomAD. At this time, the clinical significance of this variant is uncertain due to the absence of conclusive functional and genetic evidence.

Labcorp Genetics (formerly Invitae), Labcorp
Classification: Uncertain significance for Hypertrophic cardiomyopathy. Last evaluated: 2026-01-20. Review status: criteria provided, single submitter. Criteria: Invitae Variant Classification Sherloc (09022015). Collection method: clinical testing. Allele origin: germline.
Comment: This sequence change replaces alanine, which is neutral and non-polar, with valine, which is neutral and non-polar, at codon 1639 of the MYH7 protein (p.Ala1639Val). This variant is present in population databases (no rsID available, gnomAD no frequency). This variant has not been reported in the literature in individuals affected with MYH7-related conditions. ClinVar contains an entry for this variant (Variation ID: 432229). Invitae Evidence Modeling of protein sequence and biophysical properties (such as structural, functional, and spatial information, amino acid conservation, physicochemical variation, residue mobility, and thermodynamic stability) indicates that this missense variant is expected to disrupt MYH7 protein function with a positive predictive value of 95%. In summary, the available evidence is currently insufficient to determine the role of this variant in disease. Therefore, it has been classified as a Variant of Uncertain Significance.

Color Diagnostics, LLC DBA Color Health
Classification: Uncertain significance for Cardiomyopathy. Last evaluated: 2025-12-11. Review status: criteria provided, single submitter. Criteria: ACMG Guidelines, 2015. Collection method: clinical testing. Allele origin: germline.
Comment: This missense variant replaces alanine with valine at codon 1639 of the MYH7 protein. Computational prediction suggests that this variant may have deleterious impact on protein structure and function. To our knowledge, functional studies have not been reported for this variant. This variant has not been reported in individuals affected with MYH7-related disorders in the literature. This variant has been identified in 7/1614068 chromosomes in the general population by the Genome Aggregation Database (gnomAD). The available evidence is insufficient to determine the role of this variant in disease conclusively. Therefore, this variant is classified as a Variant of Uncertain Significance.

GeneDx
Classification: Uncertain significance. Last evaluated: 2024-10-02. Review status: criteria provided, single submitter. Criteria: GeneDx Variant Classification Process June 2021. Collection method: clinical testing. Allele origin: germline. Affected: yes.
Comment: Not observed at significant frequency in large population cohorts (gnomAD); In silico analysis indicates that this missense variant does not alter protein structure/function; Has not been previously reported as pathogenic or benign in association with MYH7-related disorders to our knowledge; This variant is associated with the following publications: (PMID: 34542152)

All of Us Research Program, National Institutes of Health
Classification: Uncertain significance for Cardiomyopathy. Last evaluated: 2024-09-16. Review status: criteria provided, single submitter. Criteria: ACMG Guidelines, 2015. Collection method: clinical testing. Allele origin: germline. Inheritance: Autosomal dominant inheritance. Observed: 13 variant alleles, 13 heterozygotes.
Comment: This missense variant replaces alanine with valine at codon 1639 of the MYH7 protein. Computational prediction suggests that this variant may have deleterious impact on protein structure and function (internally defined REVEL score threshold >= 0.7, PMID: 27666373). To our knowledge, functional studies have not been reported for this variant. This variant has not been reported in individuals affected with MYH7-related disorders in the literature. This variant has been identified in 1/31384 chromosomes in the general population by the Genome Aggregation Database (gnomAD). The available evidence is insufficient to determine the role of this variant in disease conclusively. Therefore, this variant is classified as a Variant of Uncertain Significance.

This study involves interpretation of variants in research participants for the purpose of population health screening. Participant phenotype was not available at the time of variant classification. Additional details can be found in publication PMID: 35346344, PMCID: PMC8962531

Ambry Genetics
Classification: Uncertain significance for Cardiovascular phenotype. Last evaluated: 2024-08-21. Review status: criteria provided, single submitter. Criteria: Ambry Variant Classification Scheme 2023. Collection method: clinical testing. Allele origin: germline.
Comment: The p.A1639V variant (also known as c.4916C>T), located in coding exon 32 of the MYH7 gene, results from a C to T substitution at nucleotide position 4916. The alanine at codon 1639 is replaced by valine, an amino acid with similar properties. This amino acid position is highly conserved in available vertebrate species. In addition, the in silico prediction for this alteration is inconclusive. Based on the available evidence, the clinical significance of this variant remains unclear.

Fulgent Genetics
Classification: Uncertain significance for MYH7-related skeletal myopathy; Myosin storage myopathy; Hypertrophic cardiomyopathy 1; Myopathy, myosin storage, autosomal recessive; Congenital myopathy 4A, autosomal dominant; Dilated cardiomyopathy 1S. Last evaluated: 2021-08-17. Review status: criteria provided, single submitter. Criteria: ACMG Guidelines, 2015. Collection method: clinical testing. Allele origin: unknown.

Molecular Diagnostic Laboratory for Inherited Cardiovascular Disease, Montreal Heart Institute
Classification: Uncertain significance. Last evaluated: 2019-07-04. Review status: criteria provided, single submitter. Criteria: ACMG Guidelines, 2015. Collection method: clinical testing. Allele origin: germline. Affected: yes.